The following is an entry in ClinVar:

NM_001042681.2(RERE):c.3015C>A (p.Pro1005=)

Gene: RERE (arginine-glutamic acid dipeptide repeats; minus strand). Cytogenetic location: 1p36.23.
Variant type: single nucleotide variant.
Coding change: c.3015C>A on transcript NM_001042681.2 (MANE Select); coding-DNA position 3015, C replaced by A.
Protein change: p.Pro1005=; no amino-acid change (proline 1005 retained).
Molecular consequence: synonymous variant.
Genome position (GRCh38, 1-based): chr1:8,360,492, G>T on the plus strand (C>A on the coding strand, the complement: RERE is on the minus strand). VCF-style: chr1-8360492-G-T. GRCh37 (hg19) VCF-style: chr1-8420552-G-T.
Other names: c.1353C>A, p.Pro451= (NM_001042682.2); c.3015C>A, p.Pro1005= (NM_012102.4).
Identifiers: ClinVar variation 2638164 (VCV002638164.25), dbSNP rs201412477, ClinGen allele CA571260.
Genomic context (GRCh38, chr1:8,360,492, plus strand): 5'-GAGGCCTGTAGGGGGGTGGGAGGCAGGGGGCGGGGGCAGGTTCTGGCTCTGGGTCAGCCC[G>T]GGGGGCTGGGCGGGCGAGGAGGGCAATGGCTGGCTCTGAGGCATGAGTTGCAGGGGTGGG-3'
Protein context (NP_001036146.1, residues 995-1015): QPLPSSPAQP[Pro1005=]GLTQSQNLPP

ClinVar aggregate classification (germline): Benign/Likely benign. Review status: criteria provided, multiple submitters, no conflicts (2 of 4 stars). 2 submissions from 2 submitters: Benign (1); Likely benign (1). Last evaluated 2024-10-22.

Allele frequency attached by ClinVar (database versions not stated): 1000 Genomes Project 0.00679; 1000 Genomes Project 30x 0.00687.
gnomAD v4.1: 1,069 of 1,364,564 alleles (0.078%); highest among the groups gnomAD compares: African/African-American, 1.5%; 17 homozygotes.

Submissions (2):

Blueprint Genetics
Classification: Likely benign. Last evaluated: 2024-10-22. Review status: criteria provided, single submitter. Criteria: ACMG Guidelines, 2015. Collection method: clinical testing. Allele origin: germline.

CeGaT Center for Human Genetics Tuebingen
Classification: Benign. Last evaluated: 2024-02-01. Review status: criteria provided, single submitter. Criteria: CeGaT Center For Human Genetics Tuebingen Variant Classification Criteria Version 2. Collection method: clinical testing. Allele origin: germline. Affected: yes. Observed: 4 variant alleles.
Comment: RERE: BP4, BP7, BS1, BS2